The following is an entry in ClinVar:

ClinVar aggregate classification (germline): Uncertain significance (1 of 4 stars; one submission).

Conditions:
Autosomal dominant polycystic kidney disease. Identifiers: Orphanet 730, MedGen C0085413, MONDO:0004691.

gnomAD v4.1: 2 of 1,560,480 alleles (0.00013%); highest among the groups gnomAD compares: Non-Finnish European, 0.00018%; no homozygotes.

Submission:

Labcorp Genetics (formerly Invitae), Labcorp
Classification: Uncertain significance for Autosomal dominant polycystic kidney disease. Last evaluated: 2022-10-07. Review status: criteria provided, single submitter. Criteria: Invitae Variant Classification Sherloc (09022015). Collection method: clinical testing. Allele origin: germline.
Comment: This sequence change replaces glutamic acid, which is acidic and polar, with glutamine, which is neutral and polar, at codon 697 of the PKD2 protein (p.Glu697Gln). This variant is not present in population databases (gnomAD no frequency). This variant has not been reported in the literature in individuals affected with PKD2-related conditions. Advanced modeling of protein sequence and biophysical properties (such as structural, functional, and spatial information, amino acid conservation, physicochemical variation, residue mobility, and thermodynamic stability) performed at Invitae indicates that this missense variant is expected to disrupt PKD2 protein function. In summary, the available evidence is currently insufficient to determine the role of this variant in disease. Therefore, it has been classified as a Variant of Uncertain Significance.

NM_000297.4(PKD2):c.2089G>C (p.Glu697Gln)

Gene: PKD2 (polycystin 2, transient receptor potential cation channel; plus strand). Cytogenetic location: 4q22.1.
Variant type: single nucleotide variant.
Coding change: c.2089G>C on transcript NM_000297.4 (MANE Select); coding-DNA position 2089, G replaced by C.
Protein change: p.Glu697Gln; replaces glutamic acid 697 with glutamine.
Molecular consequence: missense variant. On other transcripts: non-coding transcript variant (1).
Genome position (GRCh38, 1-based): chr4:88,061,975, G>C. VCF-style: chr4-88061975-G-C. GRCh37 (hg19) VCF-style: chr4-88983127-G-C.
Other names: short protein forms E697Q.
Identifiers: ClinVar variation 1952986 (VCV001952986.2), dbSNP rs2475970359, ClinGen allele CA357623773.
Genomic context (GRCh38, chr4:88,061,975, plus strand): 5'-TTGGCTATCATCAATGATACTTACTCTGAAGTGAAATCTGACTTGGCACAGCAGAAAGCT[G>C]AAATGGAACTCTCAGATCTTATCAGAAAGGTAGGAAAAACCTTAATTCTCAGAATTCTTC-3'
Protein context (NP_000288.1, residues 687-707): VKSDLAQQKA[Glu697Gln]MELSDLIRKG